The following is an entry in ClinVar:

NM_001174150.2(ARL13B):c.1137T>A (p.Pro379=)

Gene: ARL13B (ARF like GTPase 13B; plus strand). Cytogenetic location: 3q11.2.
Variant type: single nucleotide variant.
Coding change: c.1137T>A on transcript NM_001174150.2 (MANE Select); coding-DNA position 1137, T replaced by A.
Protein change: p.Pro379=; no amino-acid change (proline 379 retained).
Molecular consequence: synonymous variant. On other transcripts: non-coding transcript variant (2).
Genome position (GRCh38, 1-based): chr3:94,049,518, T>A. VCF-style: chr3-94049518-T-A. GRCh37 (hg19) VCF-style: chr3-93768362-T-A.
Other names: c.828T>A, p.Pro276= (NM_001174151.2); c.1092T>A, p.Pro364= (NM_001321328.2); c.816T>A, p.Pro272= (NM_144996.4); c.1137T>A, p.Pro379= (NM_182896.3).
Identifiers: ClinVar variation 757299 (VCV000757299.11), dbSNP rs1325555759, ClinGen allele CA434629961.
Genomic context (GRCh38, chr3:94,049,518, plus strand): 5'-AGAACCACTTAATATAGATGACTGTGCTCCTGAGAGTCCAACGCCACCCCCACCCCCTCC[T>A]CCTGGTGAGTAAATTGATACTGATACTGAATTTAGAAATATTGCTTTAAACAACAGAGAA-3'
Protein context (NP_001167621.1, residues 369-389): PESPTPPPPP[Pro379=]PVGWGTPKVT

ClinVar aggregate classification (germline): Likely benign. Review status: criteria provided, multiple submitters, no conflicts (2 of 4 stars). 3 submissions from 3 submitters: Likely benign (2). 1 of the submissions does not count toward it. Last evaluated 2022-10-05.

Conditions:
ARL13B-related disorder. Also called: ARL13B-related condition.
Joubert syndrome 8 (JBTS8). Identifiers: Orphanet 475, MedGen C2676771, MONDO:0012855, OMIM 612291.

Submissions (3):

Blueprint Genetics
Classification: Likely benign. Last evaluated: 2022-10-05. Review status: criteria provided, single submitter. Criteria: ACMG Guidelines, 2015. Collection method: clinical testing. Allele origin: germline.

Labcorp Genetics (formerly Invitae), Labcorp
Classification: Likely benign for Joubert syndrome 8. Last evaluated: 2020-08-16. Review status: criteria provided, single submitter. Criteria: Invitae Variant Classification Sherloc (09022015). Collection method: clinical testing. Allele origin: germline.

PreventionGenetics, part of Exact Sciences
Classification: Likely benign for ARL13B-related condition. Last evaluated: 2019-05-02. Review status: no assertion criteria provided. Collection method: clinical testing. Allele origin: germline. Not counted in ClinVar's aggregate classification.
Comment: This variant is classified as likely benign based on ACMG/AMP sequence variant interpretation guidelines (Richards et al. 2015 PMID: 25741868, with internal and published modifications).